The following is an entry in ClinVar:

ClinVar aggregate classification (germline): Uncertain significance (1 of 4 stars; one submission).

Conditions:
Fanconi anemia (FA). Also called: Fanconi's anemia. Identifiers: Orphanet 84, MedGen C0015625, MeSH D005199, MONDO:0019391.

Allele frequency attached by ClinVar (database versions not stated): gnomAD 0.00001; 1000 Genomes Project 30x 0.00016; 1000 Genomes Project 0.00020.
gnomAD v4.1: 1 of 1,613,864 alleles (0.000062%); highest among the groups gnomAD compares: Non-Finnish European, 0.000085%; no homozygotes.

Submission:

Labcorp Genetics (formerly Invitae), Labcorp
Classification: Uncertain significance for Fanconi anemia. Last evaluated: 2024-12-26. Review status: criteria provided, single submitter. Criteria: Invitae Variant Classification Sherloc (09022015). Collection method: clinical testing. Allele origin: germline.
Comment: This sequence change replaces threonine, which is neutral and polar, with isoleucine, which is neutral and non-polar, at codon 383 of the FANCC protein (p.Thr383Ile). This variant is not present in population databases (gnomAD no frequency). This variant has not been reported in the literature in individuals affected with FANCC-related conditions. ClinVar contains an entry for this variant (Variation ID: 2190069). Invitae Evidence Modeling of protein sequence and biophysical properties (such as structural, functional, and spatial information, amino acid conservation, physicochemical variation, residue mobility, and thermodynamic stability) indicates that this missense variant is not expected to disrupt FANCC protein function with a negative predictive value of 80%. In summary, the available evidence is currently insufficient to determine the role of this variant in disease. Therefore, it has been classified as a Variant of Uncertain Significance.

NM_000136.3(FANCC):c.1148C>T (p.Thr383Ile)

Genes: AOPEP (aminopeptidase O (putative); plus strand), FANCC (FA complementation group C; minus strand). Cytogenetic location: 9q22.32.
Variant type: single nucleotide variant.
Coding change: c.1148C>T on transcript NM_000136.3 (MANE Select); coding-DNA position 1148, C replaced by T.
Protein change: p.Thr383Ile; replaces threonine 383 with isoleucine.
Molecular consequence: missense variant.
Genome position (GRCh38, 1-based): chr9:95,114,635, G>A on the plus strand (C>T on the coding strand, the complement: FANCC is on the minus strand). VCF-style: chr9-95114635-G-A. GRCh37 (hg19) VCF-style: chr9-97876917-G-A.
Other names: c.1148C>T, p.Thr383Ile (NM_001243743.2, NM_001243744.2); short protein forms T383I.
Identifiers: ClinVar variation 2190069 (VCV002190069.4), dbSNP rs534854927, ClinGen allele CA196545663.